The following is an entry in ClinVar:

NM_018075.5(ANO10):c.1551dup (p.Ala518fs)

Gene: ANO10 (anoctamin 10; minus strand). Cytogenetic location: 3p22.1.
Variant type: Duplication.
Coding change: c.1551dup on transcript NM_018075.5 (MANE Select); coding-DNA position 1551, one base duplicated (A; older notation c.1551dupA).
Protein change: p.Ala518fs; shifts the reading frame from alanine 518.
Molecular consequence: frameshift variant.
Genome position (GRCh38, 1-based): chr3:43,555,395, T duplicated on the plus strand (A on the coding strand, the reverse complement: ANO10 is on the minus strand). VCF-style (leftmost placement, unchanged base first): chr3-43555394-C-CT. GRCh37 (hg19) VCF-style: chr3-43596886-C-CT.
Other names: c.1551dup, p.Ala518fs (NM_001204831.3, NM_001346463.2, NM_001346464.2 and 3 more transcripts); c.1353dup, p.Ala452fs (NM_001204832.3, NM_001346466.2, NM_001346469.2); c.1218dup, p.Ala407fs (NM_001204833.3); c.981dup, p.Ala328fs (NM_001204834.3); short protein forms A328fs, A407fs, A452fs, A518fs.
Identifiers: ClinVar variation 976688 (VCV000976688.27), dbSNP rs2079693628, ClinGen allele CA1139658014.

ClinVar aggregate classification (germline): Pathogenic. Review status: criteria provided, multiple submitters, no conflicts (2 of 4 stars). 2 submissions from 2 submitters: Pathogenic (2). Last evaluated 2023-03-01.

Conditions:
Autosomal recessive spinocerebellar ataxia 10. Identifiers: Orphanet 284289, MedGen C3150998, MONDO:0013392, OMIM 613728.

Submissions (2):

CeGaT Center for Human Genetics Tuebingen
Classification: Pathogenic. Last evaluated: 2023-03-01. Review status: criteria provided, single submitter. Criteria: CeGaT Center For Human Genetics Tuebingen Variant Classification Criteria Version 2. Collection method: clinical testing. Allele origin: germline. Affected: yes. Observed: 1 variant allele.
Comment: ANO10: PVS1, PM2

Institute of Human Genetics Munich, TUM University Hospital
Classification: Pathogenic for Autosomal recessive spinocerebellar ataxia 10. Last evaluated: 2020-06-08. Review status: criteria provided, single submitter. Criteria: Classification criteria August 2017. Collection method: clinical testing. Allele origin: germline. Inheritance: Autosomal recessive inheritance. Affected: yes. Observed: 1 homozygote.